The following is an entry in ClinVar:

ClinVar aggregate classification (germline): Likely benign (1 of 4 stars; one submission).

Allele frequency attached by ClinVar (database versions not stated): ExAC 0.00001; gnomAD 0.00002; TOPMed 0.00002; ESP Exome Variant Server 0.00008.
gnomAD v4.1: 61 of 1,609,904 alleles (0.0038%); highest among the groups gnomAD compares: Non-Finnish European, 0.0046%; no homozygotes.

Submission:

CeGaT Center for Human Genetics Tuebingen
Classification: Likely benign. Last evaluated: 2023-05-01. Review status: criteria provided, single submitter. Criteria: CeGaT Center For Human Genetics Tuebingen Variant Classification Criteria Version 2. Collection method: clinical testing. Allele origin: germline. Affected: yes. Observed: 1 variant allele.
Comment: NOS1: BP4, BP7

NM_000620.5(NOS1):c.4287T>C (p.Asp1429=)

Gene: NOS1 (nitric oxide synthase 1; minus strand). Cytogenetic location: 12q24.22.
Variant type: single nucleotide variant.
Coding change: c.4287T>C on transcript NM_000620.5 (MANE Select); coding-DNA position 4287, T replaced by C.
Protein change: p.Asp1429=; no amino-acid change (aspartic acid 1429 retained).
Molecular consequence: synonymous variant.
Genome position (GRCh38, 1-based): chr12:117,218,048, A>G on the plus strand (T>C on the coding strand, the complement: NOS1 is on the minus strand). VCF-style: chr12-117218048-A-G. GRCh37 (hg19) VCF-style: chr12-117655853-A-G.
Other names: c.3279T>C, p.Asp1093= (NM_001204213.2, NM_001204214.2); c.4389T>C, p.Asp1463= (NM_001204218.2).
Identifiers: ClinVar variation 2643374 (VCV002643374.24), dbSNP rs369277356, ClinGen allele CA6814265.
Genomic context (GRCh38, chr12:117,218,048, plus strand): 5'-GTGGGACCTAGAAGAGAGGGCTCTTCCTGCCCCTCACCCAGGGATGGAGCCAGCTTACTC[A>G]TCGGTGTCTTTTTTGCTCTCTTCAATGAAGGCAATGGACTCAGATCTAAGGCGGTTGGTC-3'
Protein context (NP_000611.1, residues 1419-1434): AFIEESKKDT[Asp1429=]EVFSS